The following is an entry in ClinVar:

NM_004415.4(DSP):c.2703G>T (p.Trp901Cys)

Gene: DSP (desmoplakin; plus strand). Cytogenetic location: 6p24.3.
Variant type: single nucleotide variant.
Coding change: c.2703G>T on transcript NM_004415.4 (MANE Select); coding-DNA position 2703, G replaced by T.
Protein change: p.Trp901Cys; replaces tryptophan 901 with cysteine.
Molecular consequence: missense variant.
Genome position (GRCh38, 1-based): chr6:7,576,366, G>T. VCF-style: chr6-7576366-G-T. GRCh37 (hg19) VCF-style: chr6-7576599-G-T.
Other names: c.2703G>T, p.Trp901Cys (NM_001008844.3, NM_001319034.2); short protein forms W901C.
Identifiers: ClinVar variation 374951 (VCV000374951.8), dbSNP rs1057519251, ClinGen allele CA16043992.

ClinVar aggregate classification (germline): Uncertain significance. Review status: criteria provided, multiple submitters, no conflicts (2 of 4 stars). 4 submissions from 4 submitters: Uncertain significance (3). 1 of the submissions does not count toward it. Last evaluated 2025-08-18.

Conditions:
Cardiovascular phenotype. Identifiers: MedGen CN230736.
Arrhythmogenic cardiomyopathy with wooly hair and keratoderma. Also called: Dilated cardiomyopathy with woolly hair and keratoderma; Arrhythmogenic cardiomyopathy with woolly hair and keratoderma; Carvajal syndrome; PALMOPLANTAR KERATODERMA WITH LEFT VENTRICULAR CARDIOMYOPATHY AND WOOLLY HAIR. Identifiers: Orphanet 65282, MedGen C1854063, MONDO:0011581, OMIM 605676.
Arrhythmogenic right ventricular dysplasia 8 (ARVD8). Also called: ARRHYTHMOGENIC RIGHT VENTRICULAR CARDIOMYOPATHY 8; Arrhythmogenic Right Ventricular Dysplasia/Cardiomyopathy 8; ARRHYTHMOGENIC RIGHT VENTRICULAR DYSPLASIA, FAMILIAL, 8. Identifiers: MedGen C1843896, MONDO:0011831, OMIM 607450.

Submissions (4):

Labcorp Genetics (formerly Invitae), Labcorp
Classification: Uncertain significance for Arrhythmogenic cardiomyopathy with wooly hair and keratoderma; Arrhythmogenic right ventricular dysplasia 8. Last evaluated: 2025-08-18. Review status: criteria provided, single submitter. Criteria: Invitae Variant Classification Sherloc (09022015). Collection method: clinical testing. Allele origin: germline.
Comment: This sequence change replaces tryptophan, which is neutral and slightly polar, with cysteine, which is neutral and slightly polar, at codon 901 of the DSP protein (p.Trp901Cys). This variant is not present in population databases (gnomAD no frequency). This variant has not been reported in the literature in individuals affected with DSP-related conditions. ClinVar contains an entry for this variant (Variation ID: 374951). An algorithm developed to predict the effect of missense changes on protein structure and function (PolyPhen-2) suggests that this variant is likely to be disruptive. In summary, the available evidence is currently insufficient to determine the role of this variant in disease. Therefore, it has been classified as a Variant of Uncertain Significance.

All of Us Research Program, National Institutes of Health
Classification: Uncertain significance for Arrhythmogenic cardiomyopathy with wooly hair and keratoderma. Last evaluated: 2024-06-09. Review status: criteria provided, single submitter. Criteria: ACMG Guidelines, 2015. Collection method: clinical testing. Allele origin: germline. Inheritance: Autosomal dominant inheritance. Observed: 3 variant alleles, 3 heterozygotes.
Comment: This missense variant replaces tryptophan with cysteine at codon 901 of the DSP protein. Computational prediction is inconclusive regarding the impact of this variant on protein structure and function (internally defined REVEL score threshold 0.5 < inconclusive < 0.7, PMID: 27666373). To our knowledge, functional studies have not been reported for this variant. This variant has not been reported in individuals affected with DSP-related disorders in the literature. This variant has not been identified in the general population by the Genome Aggregation Database (gnomAD). The available evidence is insufficient to determine the role of this variant in disease conclusively. Therefore, this variant is classified as a Variant of Uncertain Significance.

This study involves interpretation of variants in research participants for the purpose of population health screening. Participant phenotype was not available at the time of variant classification. Additional details can be found in publication PMID: 35346344, PMCID: PMC8962531

Ambry Genetics
Classification: Uncertain significance for Cardiovascular phenotype. Last evaluated: 2021-06-05. Review status: criteria provided, single submitter. Criteria: Ambry Variant Classification Scheme 2023. Collection method: clinical testing. Allele origin: germline.
Comment: The p.W901C variant (also known as c.2703G>T), located in coding exon 19 of the DSP gene, results from a G to T substitution at nucleotide position 2703. The tryptophan at codon 901 is replaced by cysteine, an amino acid with highly dissimilar properties. This amino acid position is highly conserved in available vertebrate species. In addition, this alteration is predicted to be deleterious by in silico analysis. Since supporting evidence is limited at this time, the clinical significance of this alteration remains unclear.

Knight Diagnostic Laboratories, Oregon Health and Sciences University
Classification: Uncertain significance for Arrhythmogenic right ventricular dysplasia 8. Last evaluated: 2015-12-04. Review status: no assertion criteria provided. Criteria: ACMG Guidelines, 2015. Collection method: clinical testing. Allele origin: germline. Affected: no. Study: CSER-NextGen. Not counted in ClinVar's aggregate classification.